The following is an entry in ClinVar:

NM_007118.4(TRIO):c.3559A>G (p.Ile1187Val)

Gene: TRIO (trio Rho guanine nucleotide exchange factor; plus strand). Cytogenetic location: 5p15.2.
Variant type: single nucleotide variant.
Coding change: c.3559A>G on transcript NM_007118.4 (MANE Select); coding-DNA position 3559, A replaced by G.
Protein change: p.Ile1187Val; replaces isoleucine 1187 with valine.
Molecular consequence: missense variant. On other transcripts: non-coding transcript variant (1).
Genome position (GRCh38, 1-based): chr5:14,381,241, A>G. VCF-style: chr5-14381241-A-G. GRCh37 (hg19) VCF-style: chr5-14381350-A-G.
Other names: p.Ile1187Val; short protein forms I1187V.
Identifiers: ClinVar variation 1701969 (VCV001701969.4), dbSNP rs950757813, ClinGen allele CA113985929.

ClinVar aggregate classification (germline): Uncertain significance. Review status: criteria provided, multiple submitters, no conflicts (2 of 4 stars). 3 submissions from 2 submitters: Uncertain significance (3). Last evaluated 2022-10-12.

Conditions:
Intellectual developmental disorder, autosomal dominant 63, with macrocephaly. Also called: MENTAL RETARDATION, AUTOSOMAL DOMINANT 63, WITH MACROCEPHALY. Identifiers: MedGen C5394205, MONDO:0032939, OMIM 618825.
Intellectual developmental disorder, autosomal dominant 44, with microcephaly. Also called: Micrognathia-recurrent infections-behavioral abnormalities-mild intellectual disability syndrome; TRIO-Related Intellectual Disability. Identifiers: Orphanet 476126, MedGen C4310740, MONDO:0014892, OMIM 617061.

Allele frequency attached by ClinVar (database versions not stated): gnomAD 0.00001; TOPMed 0.00002.
gnomAD v4.1: 9 of 1,611,562 alleles (0.00056%); highest among the groups gnomAD compares: African/African-American, 0.0054%; no homozygotes.

Submissions (3):

Baylor Genetics
Classification: Uncertain significance for Intellectual developmental disorder, autosomal dominant 44, with microcephaly. Last evaluated: 2022-10-12. Review status: criteria provided, single submitter. Criteria: ACMG Guidelines, 2015. Collection method: clinical testing. Allele origin: unknown.

Baylor Genetics
Classification: Uncertain significance for Intellectual developmental disorder, autosomal dominant 63, with macrocephaly. Last evaluated: 2022-10-12. Review status: criteria provided, single submitter. Criteria: ACMG Guidelines, 2015. Collection method: clinical testing. Allele origin: unknown.

Foundation for Research in Genetics and Endocrinology, FRIGE's Institute of Human Genetics
Classification: Uncertain significance for Intellectual developmental disorder, autosomal dominant 44, with microcephaly. Last evaluated: 2022-01-08. Review status: criteria provided, single submitter. Criteria: ACMG Guidelines, 2015. Collection method: clinical testing. Allele origin: germline. Inheritance: Autosomal dominant inheritance. Affected: yes. Observed: 1 heterozygote.
Comment: A heterozygous missense variation in exon 21 of the TRIO gene (chr5:g.14381241A>G; Depth: 381x) that results in the amino acid substitution of Valine for Isoleucine at codon 1187 (p.Ile1187Val; ENST00000344204.9) was detected (Table). The p.Ile1187Val variant has not been reported in the 1000 genomes and has a minor allele frequency of 0.001% in the gnomAD database. The in silico prediction of the variant is damaging by LRT. The reference codon is conserved across species.